The following is an entry in ClinVar:

NM_018026.4(PACS1):c.979-7C>G

Gene: PACS1 (phosphofurin acidic cluster sorting protein 1; plus strand). Cytogenetic location: 11q13.2.
Variant type: single nucleotide variant.
Coding change: c.979-7C>G on transcript NM_018026.4 (MANE Select); 7 bases into the intron before coding-DNA position 979, C replaced by G.
Molecular consequence: intron variant.
Genome position (GRCh38, 1-based): chr11:66,219,739, C>G. VCF-style: chr11-66219739-C-G. GRCh37 (hg19) VCF-style: chr11-65987210-C-G.
Identifiers: ClinVar variation 5004953 (VCV005004953.2).

ClinVar aggregate classification (germline): Uncertain significance (1 of 4 stars; one submission).

Conditions:
Schuurs-Hoeijmakers syndrome. Also called: PACS1-Related Neurodevelopmental Disorder. Identifiers: Orphanet 329224, MedGen C3554343, MONDO:0014006, OMIM 615009.

Submission:

Juno Genomics, Hangzhou Juno Genomics, Inc
Classification: Uncertain significance for Schuurs-Hoeijmakers syndrome. Review status: criteria provided, single submitter. Criteria: ACMG Guidelines, 2015. Collection method: clinical testing. Allele origin: germline.
Comment: Absent from controls (or at extremely low frequency if recessive) in Genome Aggregation Database.;Multiple lines of computational evidence support a deleterious effect on the gene or gene product.